The following is an entry in ClinVar:

ClinVar aggregate classification (germline): Uncertain significance (1 of 4 stars; one submission).

Submission:

Ambry Genetics
Classification: Uncertain significance. Last evaluated: 2024-10-14. Review status: criteria provided, single submitter. Criteria: Ambry Variant Classification Scheme 2023. Collection method: clinical testing. Allele origin: germline.
Comment: The p.G411E variant (also known as c.1232G>A), located in coding exon 3 of the ALPK2 gene, results from a G to A substitution at nucleotide position 1232. The glycine at codon 411 is replaced by glutamic acid, an amino acid with similar properties. This amino acid position is conserved. In addition, this alteration is predicted to be tolerated by in silico analysis. Based on the available evidence, the clinical significance of this variant remains unclear.

NM_052947.4(ALPK2):c.1232G>A (p.Gly411Glu)

Gene: ALPK2 (alpha kinase 2; minus strand). Cytogenetic location: 18q21.31.
Variant type: single nucleotide variant.
Coding change: c.1232G>A on transcript NM_052947.4 (MANE Select); coding-DNA position 1232, G replaced by A.
Protein change: p.Gly411Glu; replaces glycine 411 with glutamic acid.
Molecular consequence: missense variant.
Genome position (GRCh38, 1-based): chr18:58,579,544, C>T on the plus strand (G>A on the coding strand, the complement: ALPK2 is on the minus strand). VCF-style: chr18-58579544-C-T. GRCh37 (hg19) VCF-style: chr18-56246776-C-T.
Other names: short protein forms G411E.
Identifiers: ClinVar variation 3531729 (VCV003531729.1).
Genomic context (GRCh38, chr18:58,579,544, plus strand): 5'-AGAGTCATCCCTGTTTGTGGGGATGAGGGACCGTGCTTGGAGACTCTGCTGCTCCTCACC[C>T]CAACTTCTTGGGGTTGTGAGTGATGACCACAGAAGCCAGCAGTGGCAACCATAGGCCCAG-3'
Protein context (NP_443179.3, residues 401-421): CGHHSQPQEV[Gly411Glu]VRSSRVSKHG